The following is an entry in ClinVar:

ClinVar aggregate classification (germline): Pathogenic. Review status: criteria provided, multiple submitters, no conflicts (2 of 4 stars). 2 submissions from 2 submitters: Pathogenic (2). Last evaluated 2023-04-28.

Conditions:
Osteogenesis imperfecta type I (OI1). Also called: Lobstein's Disease; Lobstein disease; Osteogenesis imperfecta type 1; OI, TYPE I; OSTEOGENESIS IMPERFECTA TARDA; OSTEOGENESIS IMPERFECTA WITH BLUE SCLERAE. Identifiers: Orphanet 216796, Orphanet 666, MedGen C0023931, MONDO:0008146, OMIM 166200. Disease mechanism: loss of function.

Submissions (2):

Labcorp Genetics (formerly Invitae), Labcorp
Classification: Pathogenic for Osteogenesis imperfecta type I. Last evaluated: 2023-04-28. Review status: criteria provided, single submitter. Criteria: Invitae Variant Classification Sherloc (09022015). Collection method: clinical testing. Allele origin: germline.
Comment: For these reasons, this variant has been classified as Pathogenic. ClinVar contains an entry for this variant (Variation ID: 419190). This variant has not been reported in the literature in individuals affected with COL1A1-related conditions. This variant is not present in population databases (gnomAD no frequency). This sequence change creates a premature translational stop signal (p.Ala1053Trpfs*8) in the COL1A1 gene. It is expected to result in an absent or disrupted protein product. Loss-of-function variants in COL1A1 are known to be pathogenic (PMID: 7942841, 9295084, 9443882).

GeneDx
Classification: Pathogenic. Last evaluated: 2015-06-23. Review status: criteria provided, single submitter. Criteria: GeneDx Variant Classification (06012015). Collection method: clinical testing. Allele origin: germline. Affected: yes.
Comment: The c.3157_3170del14 deletion in the COL1A1 gene has not been reported previously as a pathogenic variant nor as a benign polymorphism, to our knowledge. The c.3157_3170del14 deletion causes a frameshift starting with codon Alanine 1053, changes this amino acid to a Tryptophan residue, and creates a premature Stop codon at position 8 of the new reading frame, denoted p.Ala1053TrpfsX8. This variant is predicted to cause loss of normal protein function either through protein truncation or nonsense-mediated mRNA decay. The c.3157_3170del14 deletion was not observed in approximately 6,500 individuals of European and African American ancestry in the NHLBI Exome Sequencing Project, indicating it is not a common benign variant in these populations. We interpret c.3157_3170del14 as a pathogenic variant.

Literature cited by the submitters: PubMed 7942841 (cited by Labcorp Genetics (formerly Invitae), Labcorp); PubMed 9295084 (cited by Labcorp Genetics (formerly Invitae), Labcorp); PubMed 9443882 (cited by Labcorp Genetics (formerly Invitae), Labcorp).

NM_000088.4(COL1A1):c.3157_3170del (p.Ala1053fs)

Gene: COL1A1 (collagen type I alpha 1 chain; minus strand). Cytogenetic location: 17q21.33.
Variant type: Deletion.
Coding change: c.3157_3170del on transcript NM_000088.4 (MANE Select); coding-DNA positions 3157 to 3170, 14 bases deleted (GCCCCTGGCCCCGT).
Protein change: p.Ala1053fs; shifts the reading frame from alanine 1053.
Molecular consequence: frameshift variant.
Genome position (GRCh38, 1-based): chr17:50,188,567-50,188,580, ACGGGGCCAGGGGC deleted on the plus strand (GCCCCTGGCCCCGT on the coding strand, the reverse complement: COL1A1 is on the minus strand); deleting any 14 consecutive bases within chr17:50,188,567-50,188,582 gives the same sequence; the c. name uses the placement nearest the transcript's 3' end. VCF-style (leftmost placement, unchanged base first): chr17-50188566-AACGGGGCCAGGGGC-A. GRCh37 (hg19) VCF-style: chr17-48265927-AACGGGGCCAGGGGC-A.
Other names: c.3157_3170delGCCCCTGGCCCCGT (NM_000088.3); short protein forms A1053fs.
Identifiers: ClinVar variation 419190 (VCV000419190.8), dbSNP rs1555572249, ClinGen allele CA16620474.
Genomic context (GRCh38, chr17:50,188,566, plus strand): 5'-GGGAACTGGAGCCCAGCTACTTACAGTCTCACCACGATCACCACTCTTGCCAGCAGGGCC[AACGGGGCCAGGGGC>A]ACCAGGAGCACCAGGAGCACCAGGGGGTCCAGCGGGGCCGGTCTCACCACGGTCACCCTG-3'